The following is an entry in ClinVar:

NM_021252.5(RAB18):c.*3484T>C

Gene: RAB18 (RAB18, member RAS oncogene family; plus strand). Cytogenetic location: 10p12.1.
Variant type: single nucleotide variant.
Coding change: c.*3484T>C on transcript NM_021252.5 (MANE Select); 3484 bases downstream of the stop codon, T replaced by C.
Molecular consequence: 3 prime UTR variant. On other transcripts: non-coding transcript variant (1).
Genome position (GRCh38, 1-based): chr10:27,541,535, T>C. VCF-style: chr10-27541535-T-C. GRCh37 (hg19) VCF-style: chr10-27830464-T-C.
Other names: c.*3484T>C (NM_001256410.2, NM_001256412.2); c.*3444T>C (NM_001256411.2).
Identifiers: ClinVar variation 299872 (VCV000299872.6), dbSNP rs11598268, ClinGen allele CA5452585.

ClinVar aggregate classification (germline): Benign. Review status: criteria provided, multiple submitters, no conflicts (2 of 4 stars). 2 submissions from 2 submitters: Benign (2). Last evaluated 2018-01-13.

Conditions:
Warburg micro syndrome 3 (WARBM3). Also called: MICRO SYNDROME 3. Identifiers: Orphanet 2510, MedGen C3280203, MONDO:0013638, OMIM 614222.

Allele frequency attached by ClinVar (database versions not stated): gnomAD 0.17959 and 0.17485; gnomAD exomes 0.21507 and 0.19539; 1000 Genomes Project 0.23383; ExAC 0.23429; TOPMed 0.18541; 1000 Genomes Project 30x 0.22970.

Submissions (2):

Illumina Laboratory Services, Illumina
Classification: Benign for Warburg micro syndrome 3. Last evaluated: 2018-01-13. Review status: criteria provided, single submitter. Criteria: ICSL Variant Classification Criteria 13 December 2019. Collection method: clinical testing. Allele origin: germline.
Comment: This variant was observed in the ICSL laboratory as part of a predisposition screen in an ostensibly healthy population. It had not been previously curated by ICSL or reported in the Human Gene Mutation Database (HGMD: prior to June 1st, 2018), and was therefore a candidate for classification through an automated scoring system. Utilizing variant allele frequency, disease prevalence and penetrance estimates, and inheritance mode, an automated score was calculated to assess if this variant is too frequent to cause the disease. Based on the score and internal cut-off values, a variant classified as benign is not then subjected to further curation. The score for this variant resulted in a classification of benign for this disease.

Breakthrough Genomics
Classification: Benign. Review status: criteria provided, single submitter. Criteria: ACMG Guidelines, 2015. Collection method: not provided. Allele origin: germline. Inheritance: Autosomal recessive inheritance. Affected: yes.